The following is an entry in ClinVar:

NM_012330.4(KAT6B):c.5433G>A (p.Pro1811=)

Gene: KAT6B (lysine acetyltransferase 6B; plus strand). Cytogenetic location: 10q22.2.
Variant type: single nucleotide variant.
Coding change: c.5433G>A on transcript NM_012330.4 (MANE Select); coding-DNA position 5433, G replaced by A.
Protein change: p.Pro1811=; no amino-acid change (proline 1811 retained).
Molecular consequence: synonymous variant.
Genome position (GRCh38, 1-based): chr10:75,030,257, G>A. VCF-style: chr10-75030257-G-A. GRCh37 (hg19) VCF-style: chr10-76790015-G-A.
Other names: c.5433G>A (NM_012330.3); c.4884G>A, p.Pro1628= (NM_001256468.2, NM_001370138.1); c.4557G>A, p.Pro1519= (NM_001256469.2, NM_001370139.1, NM_001370140.1 and 2 more transcripts); c.4395G>A, p.Pro1465= (NM_001370132.1); c.3744G>A, p.Pro1248= (NM_001370133.1); c.3348G>A, p.Pro1116= (NM_001370134.1); c.3090G>A, p.Pro1030= (NM_001370135.1); c.5433G>A, p.Pro1811= (NM_001370136.1, NM_001370137.1); and 1 more.
Identifiers: ClinVar variation 1143599 (VCV001143599.12), dbSNP rs201084874, ClinGen allele CA5565201.
Genomic context (GRCh38, chr10:75,030,257, plus strand): 5'-CATTGGCTTATACGAGCGAATGGGTCAGAGTGATTTTGGGGCTGGGCATTACCCGCAGCC[G>A]TCAGCCACCTTCAGCCTTGCCAAACTGCAGCAGTTAACTAATACACTTATTGATCATTCA-3'
Protein context (NP_036462.2, residues 1801-1821): SDFGAGHYPQ[Pro1811=]SATFSLAKLQ

ClinVar aggregate classification (germline): Likely benign. Review status: criteria provided, multiple submitters, no conflicts (2 of 4 stars). 4 submissions from 4 submitters: Likely benign (4). Last evaluated 2025-11-06.

Conditions:
KAT6B-related disorder. Also called: KAT6B-related disorders; KAT6B-related condition.
Blepharophimosis - intellectual disability syndrome, SBBYS type (SBBYSS). Also called: SBBYSS syndrome; Say-Barber-Biesecker-Young-Simpson syndrome; Young Simpson syndrome; Mental retardation unusual facies hypothyroidism; Ohdo syndrome, SBBYS variant; Say-Barber-Biesecker-Young-Simpson variant of Ohdo Syndrome. Identifiers: Orphanet 3047, MedGen C1863557, MONDO:0011365, OMIM 603736.
Genitopatellar syndrome (GTPTS). Also called: ABSENT PATELLAE, SCROTAL HYPOPLASIA, RENAL ANOMALIES, FACIAL DYSMORPHISM, AND MENTAL RETARDATION; Genitopatellar syndrome (GPS). Identifiers: Orphanet 85201, MedGen C1853566, MONDO:0011640, OMIM 606170.

Allele frequency attached by ClinVar (database versions not stated): ExAC 0.00011; 1000 Genomes Project 30x 0.00016; 1000 Genomes Project 0.00020; ESP Exome Variant Server 0.00008; gnomAD 0.00009; TOPMed 0.00009.
gnomAD v4.1: 74 of 1,614,214 alleles (0.0046%); highest among the groups gnomAD compares: Middle Eastern, 0.016%; no homozygotes.

Submissions (4):

Labcorp Genetics (formerly Invitae), Labcorp
Classification: Likely benign for Genitopatellar syndrome. Last evaluated: 2025-11-06. Review status: criteria provided, single submitter. Criteria: Invitae Variant Classification Sherloc (09022015). Collection method: clinical testing. Allele origin: germline.

PreventionGenetics, part of Exact Sciences
Classification: Likely benign for KAT6B-related condition. Last evaluated: 2025-03-28. Review status: criteria provided, single submitter. Criteria: ACMG Guidelines, 2015. Collection method: clinical testing. Allele origin: germline.
Comment: This variant is classified as likely benign based on ACMG/AMP sequence variant interpretation guidelines (Richards et al. 2015 PMID: 25741868, with internal and published modifications).

Blueprint Genetics
Classification: Likely benign. Last evaluated: 2024-09-09. Review status: criteria provided, single submitter. Criteria: ACMG Guidelines, 2015. Collection method: clinical testing. Allele origin: germline.

Fulgent Genetics
Classification: Likely benign for Blepharophimosis - intellectual disability syndrome, SBBYS type; Genitopatellar syndrome. Last evaluated: 2021-12-22. Review status: criteria provided, single submitter. Criteria: ACMG Guidelines, 2015. Collection method: clinical testing. Allele origin: unknown.